The following is an entry in ClinVar:

ClinVar aggregate classification (germline): Uncertain significance (1 of 4 stars; one submission).

Conditions:
Seizures, benign familial infantile, 3 (BFIS3). Also called: Familial neonatal seizures; CONVULSIONS, BENIGN FAMILIAL INFANTILE, 3. Identifiers: Orphanet 140927, Orphanet 306, MedGen C1843140, MONDO:0011904, OMIM 607745.
Developmental and epileptic encephalopathy, 11 (DEE11). Also called: Early infantile epileptic encephalopathy 11. Identifiers: Orphanet 1934, MedGen C3150987, MONDO:0013388, OMIM 613721.

Submission:

Labcorp Genetics (formerly Invitae), Labcorp
Classification: Uncertain significance for Seizures, benign familial infantile, 3; Developmental and epileptic encephalopathy, 11. Last evaluated: 2018-12-23. Review status: criteria provided, single submitter. Criteria: Invitae Variant Classification Sherloc (09022015). Collection method: clinical testing. Allele origin: germline.
Comment: This variant, c.3666_3668del, results in the deletion of 2 amino acid(s) of the SCN2A protein (p.Ser1222_Gly1223delinsArg), but otherwise preserves the integrity of the reading frame. This variant is not present in population databases (ExAC no frequency). This variant has not been reported in the literature in individuals with SCN2A-related conditions. Experimental studies and prediction algorithms are not available for this variant, and the functional significance of the affected amino acid(s) is currently unknown. Algorithms developed to predict the effect of sequence changes on RNA splicing suggest that this variant may create or strengthen a splice site, but this prediction has not been confirmed by published transcriptional studies. In summary, the available evidence is currently insufficient to determine the role of this variant in disease. Therefore, it has been classified as a Variant of Uncertain Significance.

NM_001040142.2(SCN2A):c.3666_3668del (p.Ser1222_Gly1223delinsArg)

Gene: SCN2A (sodium voltage-gated channel alpha subunit 2; plus strand). Cytogenetic location: 2q24.3.
Variant type: Deletion.
Coding change: c.3666_3668del on transcript NM_001040142.2 (MANE Select); coding-DNA positions 3666 to 3668, 3 bases deleted (TGG; older notation c.3666_3668delTGG).
Protein change: p.Ser1222_Gly1223delinsArg.
Molecular consequence: inframe indel.
Genome position (GRCh38, 1-based): chr2:165,367,362-165,367,364, TGG deleted; deleting any 3 consecutive bases within chr2:165,367,361-165,367,364 gives the same sequence; the c. name uses the placement nearest the transcript's 3' end. VCF-style (leftmost placement, unchanged base first): chr2-165367360-AGTG-A. GRCh37 (hg19) VCF-style: chr2-166223870-AGTG-A.
Other names: c.3666_3668del, p.Ser1222_Gly1223delinsArg (NM_001040143.2, NM_001371246.1, NM_001371247.1 and 1 more transcripts).
Identifiers: ClinVar variation 654990 (VCV000654990.7), dbSNP rs1574697784, ClinGen allele CA915942923.